The following is an entry in ClinVar:

ClinVar aggregate classification (germline): Uncertain significance (1 of 4 stars; one submission).

Conditions:
Deficiency of hydroxymethylglutaryl-CoA lyase (HMGCLD). Also called: Defect in leucine metabolism; 3-hydroxy-3-methylglutaric aciduria; HMGCL DEFICIENCY; HYDROXYMETHYLGLUTARIC ACIDURIA; HMG-CoA LYASE DEFICIENCY. Identifiers: Orphanet 20, MedGen C1533587, MONDO:0009520, OMIM 246450.

Allele frequency attached by ClinVar (database versions not stated): gnomAD exomes below 0.00001.
gnomAD v4.1: 1 of 1,558,918 alleles (0.000064%); highest among the groups gnomAD compares: Non-Finnish European, 0.000087%; no homozygotes.

Submission:

Baylor Genetics
Classification: Uncertain significance for Deficiency of hydroxymethylglutaryl-CoA lyase. Last evaluated: 2019-07-11. Review status: criteria provided, single submitter. Criteria: ACMG Guidelines, 2015. Collection method: clinical testing. Allele origin: unknown. Affected: yes.
Comment: This variant was determined to be of uncertain significance according to ACMG Guidelines, 2015 [PMID:25741868].

NM_000191.3(HMGCL):c.8C>T (p.Ala3Val)

Gene: HMGCL (3-hydroxy-3-methylglutaryl-CoA lyase; minus strand). Cytogenetic location: 1p36.11.
Variant type: single nucleotide variant.
Coding change: c.8C>T on transcript NM_000191.3 (MANE Select); coding-DNA position 8, C replaced by T.
Protein change: p.Ala3Val; replaces alanine 3 with valine.
Molecular consequence: missense variant.
Genome position (GRCh38, 1-based): chr1:23,825,408, G>A on the plus strand (C>T on the coding strand, the complement: HMGCL is on the minus strand). VCF-style: chr1-23825408-G-A. GRCh37 (hg19) VCF-style: chr1-24151898-G-A.
Other names: c.8C>T, p.Ala3Val (NM_001166059.2); short protein forms A3V.
Identifiers: ClinVar variation 1030661 (VCV001030661.1), dbSNP rs1638800964, ClinGen allele CA339031281.
Genomic context (GRCh38, chr1:23,825,408, plus strand): 5'-GCACTTACAGCCCGGAGGGACGCCAAGCCCACCAGTCGCCGCGGAAGCGCCTTCCTCATT[G>A]CTGCCATCTTGGCCCAGAATCCCCCGCGGCAGTCCAGCTGGGCCCCGCGTGACCGATGGC-3'
Protein context (NP_000182.2, residues 1-13): MA[Ala3Val]MRKALPRRLV